The following is an entry in ClinVar:

ClinVar aggregate classification (germline): Uncertain significance (1 of 4 stars; one submission).

Allele frequency attached by ClinVar (database versions not stated): TOPMed 0.00001 and below 0.00001.
gnomAD v4.1: 2 of 1,613,294 alleles (0.00012%); highest among the groups gnomAD compares: Non-Finnish European, 0.00017%; no homozygotes.

Submission:

Laboratory for Molecular Medicine, Mass General Brigham Personalized Medicine
Classification: Uncertain significance. Last evaluated: 2015-04-02. Review status: criteria provided, single submitter. Criteria: LMM Criteria. Collection method: clinical testing. Allele origin: germline. Observed: 1 variant allele.
Comment: The p.Ala5462Thr variant in TTN has not been previously reported in individuals with cardiomyopathy or in large population studies. Computational prediction too ls and conservation analysis are limited or unavailable for this variant. In sum mary, the clinical significance of the p.Ala5462Thr variant is uncertain.

NM_133379.5(TTN):c.16384G>A (p.Ala5462Thr)

Gene: TTN (titin; minus strand). Cytogenetic location: 2q31.2.
Variant type: single nucleotide variant.
Coding change: c.16384G>A on transcript NM_133379.5 (MANE Plus Clinical); coding-DNA position 16384, G replaced by A.
Protein change: p.Ala5462Thr; replaces alanine 5462 with threonine.
Molecular consequence: missense variant. On other transcripts: intron variant (6).
Genome position (GRCh38, 1-based): chr2:178,746,016, C>T on the plus strand (G>A on the coding strand, the complement: TTN is on the minus strand). VCF-style: chr2-178746016-C-T. GRCh37 (hg19) VCF-style: chr2-179610743-C-T.
Other names: c.10223-4095G>A (NM_003319.4); c.10799-4095G>A (NM_133437.4); c.10598-4095G>A (NM_133432.3); c.10360+7108G>A (NM_133378.4); c.10361-4095G>A (NM_001256850.1); c.11312-4095G>A (NM_001267550.2); short protein forms A5462T.
Identifiers: ClinVar variation 229590 (VCV000229590.5), dbSNP rs876658106, ClinGen allele CA10576562.